The following is an entry in ClinVar:

ClinVar aggregate classification (germline): Uncertain significance (1 of 4 stars; one submission).

Allele frequency attached by ClinVar (database versions not stated): TOPMed below 0.00001; ExAC 0.00001; gnomAD exomes 0.00001.
gnomAD v4.1: 5 of 1,610,044 alleles (0.00031%); highest among the groups gnomAD compares: Admixed American, 0.005%; no homozygotes.

Submission:

Labcorp Genetics (formerly Invitae), Labcorp
Classification: Uncertain significance. Last evaluated: 2024-12-10. Review status: criteria provided, single submitter. Criteria: Invitae Variant Classification Sherloc (09022015). Collection method: clinical testing. Allele origin: germline.
Comment: This sequence change replaces valine, which is neutral and non-polar, with leucine, which is neutral and non-polar, at codon 331 of the DCHS1 protein (p.Val331Leu). This variant is present in population databases (rs763942920, gnomAD 0.009%). This variant has not been reported in the literature in individuals affected with DCHS1-related conditions. ClinVar contains an entry for this variant (Variation ID: 1895683). Invitae Evidence Modeling of protein sequence and biophysical properties (such as structural, functional, and spatial information, amino acid conservation, physicochemical variation, residue mobility, and thermodynamic stability) indicates that this missense variant is not expected to disrupt DCHS1 protein function with a negative predictive value of 80%. In summary, the available evidence is currently insufficient to determine the role of this variant in disease. Therefore, it has been classified as a Variant of Uncertain Significance.

NM_003737.4(DCHS1):c.991G>T (p.Val331Leu)

Gene: DCHS1 (dachsous cadherin-related 1; minus strand). Cytogenetic location: 11p15.4.
Variant type: single nucleotide variant.
Coding change: c.991G>T on transcript NM_003737.4 (MANE Select); coding-DNA position 991, G replaced by T.
Protein change: p.Val331Leu; replaces valine 331 with leucine.
Molecular consequence: missense variant.
Genome position (GRCh38, 1-based): chr11:6,640,623, C>A on the plus strand (G>T on the coding strand, the complement: DCHS1 is on the minus strand). VCF-style: chr11-6640623-C-A. GRCh37 (hg19) VCF-style: chr11-6661854-C-A.
Other names: short protein forms V331L.
Identifiers: ClinVar variation 1895683 (VCV001895683.5), dbSNP rs763942920, ClinGen allele CA5861046.
Genomic context (GRCh38, chr11:6,640,623, plus strand): 5'-GCACAGTCACAAAGGCCGAGCCCAGCTCAGGGTGAGCCCCACCATCTCGTGCTTGCACCA[C>A]CAGTTCATGGACCCGCCGCTGCTCAAAGTCCAGTGGCCGCTCTAACTGCAGCAGCCCCGT-3'
Protein context (NP_003728.1, residues 321-341): DFEQRRVHEL[Val331Leu]VQARDGGAHP